The following is an entry in ClinVar:

ClinVar aggregate classification (germline): Benign/Likely benign. Review status: criteria provided, multiple submitters, no conflicts (2 of 4 stars). 4 submissions from 4 submitters: Benign (3); Likely benign (1). Last evaluated 2026-02-04.

Conditions:
Biotin-responsive basal ganglia disease (BTBGD). Also called: Thiamine metabolism dysfunction syndrome type 2; Thiamine Transporter-2 Deficiency; Thiamine metabolism dysfunction syndrome 2 (biotin- or thiamine-responsive encephalopathy type 2); thiamine-responsive encephalopathy; THIAMINE METABOLISM DYSFUNCTION SYNDROME 2 (BIOTIN- AND THIAMINE-RESPONSIVE TYPE). Identifiers: Orphanet 199348, Orphanet 65284, MedGen C1843807, MONDO:0011841, OMIM 607483.

Allele frequency attached by ClinVar (database versions not stated): gnomAD 0.01129 and 0.01035; TOPMed 0.01169; gnomAD exomes 0.00107 and 0.00260; ExAC 0.00316; 1000 Genomes Project 0.00938; ESP Exome Variant Server 0.01107; 1000 Genomes Project 30x 0.01124.
gnomAD v4.1: 3,227 of 1,603,022 alleles (0.2%); highest among the groups gnomAD compares: African/African-American, 3.7%; 54 homozygotes.

Submissions (4):

Labcorp Genetics (formerly Invitae), Labcorp
Classification: Benign for Biotin-responsive basal ganglia disease. Last evaluated: 2026-02-04. Review status: criteria provided, single submitter. Criteria: Invitae Variant Classification Sherloc (09022015). Collection method: clinical testing. Allele origin: germline.

Blueprint Genetics
Classification: Likely benign. Last evaluated: 2024-11-25. Review status: criteria provided, single submitter. Criteria: ACMG Guidelines, 2015. Collection method: clinical testing. Allele origin: germline.

GeneDx
Classification: Benign. Last evaluated: 2014-06-12. Review status: criteria provided, single submitter. Criteria: GeneDx Variant Classification (06012015). Collection method: clinical testing. Allele origin: germline. Affected: yes.
Comment: This variant is considered likely benign or benign based on one or more of the following criteria: it is a conservative change, it occurs at a poorly conserved position in the protein, it is predicted to be benign by multiple in silico algorithms, and/or has population frequency not consistent with disease.

Breakthrough Genomics
Classification: Benign. Review status: criteria provided, single submitter. Criteria: ACMG Guidelines, 2015. Collection method: not provided. Allele origin: germline. Inheritance: Autosomal recessive inheritance. Affected: yes.

NM_025243.4(SLC19A3):c.979+19A>G

Gene: SLC19A3 (solute carrier family 19 member 3; minus strand). Cytogenetic location: 2q36.3.
Variant type: single nucleotide variant.
Coding change: c.979+19A>G on transcript NM_025243.4 (MANE Select); 19 bases into the intron after coding-DNA position 979, A replaced by G.
Molecular consequence: intron variant.
Genome position (GRCh38, 1-based): chr2:227,698,717, T>C on the plus strand (A>G on the coding strand, the complement: SLC19A3 is on the minus strand). VCF-style: chr2-227698717-T-C. GRCh37 (hg19) VCF-style: chr2-228563433-T-C.
Identifiers: ClinVar variation 215154 (VCV000215154.11), dbSNP rs112669453, ClinGen allele CA323079.
Genomic context (GRCh38, chr2:227,698,717, plus strand): 5'-TGCCATGAAGTTCGGTACCTGGAGGAATGGACTTAAGCGGGTAAAGCCAACAAAGGAAGA[T>C]TAAGTGACATTTGCTTACCTCCAAAGGTTGCAATAGCTTCTACGGCCCCATTATAGATGG-3'